The following is an entry in ClinVar:

NM_003014.4(SFRP4):c.245C>T (p.Ala82Val)

Gene: SFRP4 (secreted frizzled related protein 4; minus strand). Cytogenetic location: 7p14.1.
Variant type: single nucleotide variant.
Coding change: c.245C>T on transcript NM_003014.4 (MANE Select); coding-DNA position 245, C replaced by T.
Protein change: p.Ala82Val; replaces alanine 82 with valine.
Molecular consequence: missense variant.
Genome position (GRCh38, 1-based): chr7:37,916,293, G>A on the plus strand (C>T on the coding strand, the complement: SFRP4 is on the minus strand). VCF-style: chr7-37916293-G-A. GRCh37 (hg19) VCF-style: chr7-37955895-G-A.
Other names: short protein forms A82V.
Identifiers: ClinVar variation 1466523 (VCV001466523.8), dbSNP rs1562852039, ClinGen allele CA367220697.

ClinVar aggregate classification (germline): Uncertain significance (1 of 4 stars; one submission).

Submission:

Labcorp Genetics (formerly Invitae), Labcorp
Classification: Uncertain significance. Last evaluated: 2023-07-10. Review status: criteria provided, single submitter. Criteria: Invitae Variant Classification Sherloc (09022015). Collection method: clinical testing. Allele origin: germline.
Comment: An algorithm developed to predict the effect of missense changes on protein structure and function (PolyPhen-2) suggests that this variant is likely to be tolerated. In summary, the available evidence is currently insufficient to determine the role of this variant in disease. Therefore, it has been classified as a Variant of Uncertain Significance. ClinVar contains an entry for this variant (Variation ID: 1466523). This variant has not been reported in the literature in individuals affected with SFRP4-related conditions. This variant is not present in population databases (gnomAD no frequency). This sequence change replaces alanine, which is neutral and non-polar, with valine, which is neutral and non-polar, at codon 82 of the SFRP4 protein (p.Ala82Val).